The following is an entry in ClinVar:

ClinVar aggregate classification (germline): Uncertain significance. Review status: criteria provided, multiple submitters, no conflicts (2 of 4 stars). 2 submissions from 2 submitters: Uncertain significance (2). Last evaluated 2026-03-03.

Conditions:
LRP5-related disorder. Also called: LRP5-related condition.

Allele frequency attached by ClinVar (database versions not stated): ExAC 0.00002; TOPMed 0.00002; gnomAD exomes below 0.00001; gnomAD 0.00001; ESP Exome Variant Server 0.00008.

Submissions (2):

PreventionGenetics, part of Exact Sciences
Classification: Uncertain significance for LRP5-related condition. Last evaluated: 2026-03-03. Review status: criteria provided, single submitter. Criteria: ACMG Guidelines, 2015. Collection method: clinical testing. Allele origin: germline.
Comment: The LRP5 c.1914G>T variant is predicted to result in the amino acid substitution p.Lys638Asn. To our knowledge, this variant has not been reported in the literature. This variant is reported in 0.012% of alleles in individuals of African descent in gnomAD. At this time, the clinical significance of this variant is uncertain due to the absence of conclusive functional and genetic evidence.

Labcorp Genetics (formerly Invitae), Labcorp
Classification: Uncertain significance. Last evaluated: 2022-08-12. Review status: criteria provided, single submitter. Criteria: Invitae Variant Classification Sherloc (09022015). Collection method: clinical testing. Allele origin: germline.
Comment: Advanced modeling of protein sequence and biophysical properties (such as structural, functional, and spatial information, amino acid conservation, physicochemical variation, residue mobility, and thermodynamic stability) performed at Invitae indicates that this missense variant is not expected to disrupt LRP5 protein function. In summary, the available evidence is currently insufficient to determine the role of this variant in disease. Therefore, it has been classified as a Variant of Uncertain Significance. This variant has not been reported in the literature in individuals affected with LRP5-related conditions. This variant is present in population databases (rs368392203, gnomAD 0.01%). This sequence change replaces lysine, which is basic and polar, with asparagine, which is neutral and polar, at codon 638 of the LRP5 protein (p.Lys638Asn).

NM_002335.4(LRP5):c.1914G>T (p.Lys638Asn)

Gene: LRP5 (LDL receptor related protein 5; plus strand). Cytogenetic location: 11q13.2.
Variant type: single nucleotide variant.
Coding change: c.1914G>T on transcript NM_002335.4 (MANE Select); coding-DNA position 1914, G replaced by T.
Protein change: p.Lys638Asn; replaces lysine 638 with asparagine.
Molecular consequence: missense variant.
Genome position (GRCh38, 1-based): chr11:68,406,636, G>T. VCF-style: chr11-68406636-G-T. GRCh37 (hg19) VCF-style: chr11-68174104-G-T.
Other names: c.171G>T, p.Lys57Asn (NM_001291902.2); c.1914G>T (NM_002335.3); short protein forms K638N, K57N.
Identifiers: ClinVar variation 1989899 (VCV001989899.5), dbSNP rs368392203, ClinGen allele CA6149485.